The following is an entry in ClinVar:

NM_006432.5(NPC2):c.417CTG[1] (p.Cys140del)

Gene: NPC2 (NPC intracellular cholesterol transporter 2; minus strand). Cytogenetic location: 14q24.3.
Variant type: Microsatellite.
Coding change: c.417CTG[1] on transcript NM_006432.5 (MANE Select); one copy of the 3-base unit CTG starting at c.417; the reference has two copies in a row; one copy, 3 bases deleted; also written c.420_422del.
Protein change: p.Cys140del; deletes cysteine 140.
Molecular consequence: inframe deletion. On other transcripts: intron variant (1).
Genome position (GRCh38, 1-based): chr14:74,480,721-74,480,723, CAG deleted on the plus strand (CTG on the coding strand, the reverse complement: NPC2 is on the minus strand); deleting any 3 consecutive bases within chr14:74,480,721-74,480,726 gives the same sequence; the position shown is the placement nearest the transcript's 3' end. VCF-style (leftmost placement, unchanged base first): chr14-74480720-CCAG-C. GRCh37 (hg19) VCF-style: chr14-74947423-CCAG-C.
Other names: c.417CTG[1], p.Cys140del (NM_001363688.1); c.364-435_364-433del (NM_001375440.1); c.420_422del (NM_006432.4, NM_006432.5, NM_006432.3); short protein forms C140del.
Identifiers: ClinVar variation 554860 (VCV000554860.6), dbSNP rs781255433, ClinGen allele CA7268124.

ClinVar aggregate classification (germline): Conflicting classifications of pathogenicity. Review status: criteria provided, conflicting classifications (1 of 4 stars). 5 submissions from 5 submitters: Likely pathogenic (1); Uncertain significance (3). 1 of the submissions does not count toward it. Last evaluated 2024-04-04.

Conditions:
Niemann-Pick disease, type C2 (NPC2). Identifiers: Orphanet 646, MedGen C1843366, MONDO:0011873, OMIM 607625.

Submissions (5):

Genomic Medicine Center of Excellence, King Faisal Specialist Hospital and Research Centre
Classification: Likely pathogenic for Niemann-Pick disease, type C2. Last evaluated: 2024-04-04. Review status: criteria provided, single submitter. Criteria: ACMG Guidelines, 2015. Collection method: clinical testing. Allele origin: germline.

Blueprint Genetics
Classification: Uncertain significance. Last evaluated: 2023-09-25. Review status: criteria provided, single submitter. Criteria: ACMG Guidelines, 2015. Collection method: clinical testing. Allele origin: germline.

Clinical Genetics Laboratory, Skane University Hospital Lund
Classification: Uncertain significance. Last evaluated: 2022-05-27. Review status: criteria provided, single submitter. Criteria: ACMG Guidelines, 2015. Collection method: clinical testing. Allele origin: germline. Affected: yes.

Labcorp Genetics (formerly Invitae), Labcorp
Classification: Uncertain significance for Niemann-Pick disease, type C2. Last evaluated: 2022-03-11. Review status: criteria provided, single submitter. Criteria: Invitae Variant Classification Sherloc (09022015). Collection method: clinical testing. Allele origin: germline.
Comment: This variant, c.420_422del, results in the deletion of 1 amino acid(s) of the NPC2 protein (p.Cys140del), but otherwise preserves the integrity of the reading frame. This variant is present in population databases (rs781255433, gnomAD 0.02%). This variant has not been reported in the literature in individuals affected with NPC2-related conditions. ClinVar contains an entry for this variant (Variation ID: 554860). Experimental studies and prediction algorithms are not available or were not evaluated, and the functional significance of this variant is currently unknown. In summary, the available evidence is currently insufficient to determine the role of this variant in disease. Therefore, it has been classified as a Variant of Uncertain Significance.

Counsyl
Classification: Uncertain significance for Niemann-Pick disease, type C2. Last evaluated: 2017-11-16. Review status: no assertion criteria provided. Collection method: clinical testing. Allele origin: unknown. Not counted in ClinVar's aggregate classification.